The following is an entry in ClinVar:

NM_001349253.2(SCN11A):c.3043C>T (p.Pro1015Ser)

Gene: SCN11A (sodium voltage-gated channel alpha subunit 11; minus strand). Cytogenetic location: 3p22.2.
Variant type: single nucleotide variant.
Coding change: c.3043C>T on transcript NM_001349253.2 (MANE Select); coding-DNA position 3043, C replaced by T.
Protein change: p.Pro1015Ser; replaces proline 1015 with serine.
Molecular consequence: missense variant.
Genome position (GRCh38, 1-based): chr3:38,885,309, G>A on the plus strand (C>T on the coding strand, the complement: SCN11A is on the minus strand). VCF-style: chr3-38885309-G-A. GRCh37 (hg19) VCF-style: chr3-38926800-G-A.
Other names: c.3043C>T, p.Pro1015Ser (NM_014139.3); short protein forms P1015S.
Identifiers: ClinVar variation 964797 (VCV000964797.10), dbSNP rs1449575299, ClinGen allele CA352173533.

ClinVar aggregate classification (germline): Uncertain significance. Review status: criteria provided, multiple submitters, no conflicts (2 of 4 stars). 3 submissions from 3 submitters: Uncertain significance (3). Last evaluated 2024-08-29.

Conditions:
Familial episodic pain syndrome with predominantly lower limb involvement. Also called: Episodic pain syndrome, familial, 3. Identifiers: Orphanet 391384, Orphanet 391392, MedGen C3809899, MONDO:0014247, OMIM 615552.
Hereditary sensory and autonomic neuropathy type 7. Also called: HSAN VII; Neuropathy, hereditary sensory and autonomic, type VII. Identifiers: Orphanet 391397, MedGen C3809882, MONDO:0014244, OMIM 615548.
Inborn genetic diseases. Identifiers: MedGen C0950123, MeSH D030342.

Allele frequency attached by ClinVar (database versions not stated): gnomAD 0.00001; gnomAD exomes 0.00001; TOPMed 0.00001.
gnomAD v4.1: 10 of 1,608,600 alleles (0.00062%); highest among the groups gnomAD compares: Non-Finnish European, 0.00085%; no homozygotes.

Submissions (3):

Labcorp Genetics (formerly Invitae), Labcorp
Classification: Uncertain significance for Familial episodic pain syndrome with predominantly lower limb involvement; Hereditary sensory and autonomic neuropathy type 7. Last evaluated: 2024-08-29. Review status: criteria provided, single submitter. Criteria: Invitae Variant Classification Sherloc (09022015). Collection method: clinical testing. Allele origin: germline.
Comment: This sequence change replaces proline, which is neutral and non-polar, with serine, which is neutral and polar, at codon 1015 of the SCN11A protein (p.Pro1015Ser). This variant is present in population databases (no rsID available, gnomAD 0.01%). This variant has not been reported in the literature in individuals affected with SCN11A-related conditions. ClinVar contains an entry for this variant (Variation ID: 964797). Invitae Evidence Modeling of protein sequence and biophysical properties (such as structural, functional, and spatial information, amino acid conservation, physicochemical variation, residue mobility, and thermodynamic stability) indicates that this missense variant is expected to disrupt SCN11A protein function with a positive predictive value of 80%. In summary, the available evidence is currently insufficient to determine the role of this variant in disease. Therefore, it has been classified as a Variant of Uncertain Significance.

Ambry Genetics
Classification: Uncertain significance for Inborn genetic diseases. Last evaluated: 2020-02-04. Review status: criteria provided, single submitter. Criteria: Ambry Variant Classification Scheme 2023. Collection method: clinical testing. Allele origin: germline.
Comment: The p.P1015S variant (also known as c.3043C>T), located in coding exon 17 of the SCN11A gene, results from a C to T substitution at nucleotide position 3043. The proline at codon 1015 is replaced by serine, an amino acid with similar properties. This amino acid position is highly conserved in available vertebrate species. In addition, the in silico prediction for this alteration is inconclusive. Since supporting evidence is limited at this time, the clinical significance of this alteration remains unclear.

GeneDx
Classification: Uncertain significance. Last evaluated: 2019-08-09. Review status: criteria provided, single submitter. Criteria: GeneDx Variant Classification Process June 2021. Collection method: clinical testing. Allele origin: germline. Affected: yes.
Comment: In silico analysis, which includes protein predictors and evolutionary conservation, supports a deleterious effect; Has not been previously published as pathogenic or benign to our knowledge